The following is an entry in ClinVar:

ClinVar aggregate classification (germline): Conflicting classifications of pathogenicity. Review status: criteria provided, conflicting classifications (1 of 4 stars). 4 submissions from 4 submitters: Uncertain significance (2); Likely benign (1). 1 of the submissions does not count toward it. Last evaluated 2025-12-06.

Conditions:
Cardiovascular phenotype. Identifiers: MedGen CN230736.
Duchenne muscular dystrophy (DMD). Also called: MUSCULAR DYSTROPHY, PSEUDOHYPERTROPHIC PROGRESSIVE, DUCHENNE TYPE; Duchenne Muscular Dystrophy (DMD). Identifiers: Orphanet 98896, MedGen C0013264, MONDO:0010679, OMIM 310200.
Familial restrictive cardiomyopathy (RCM). Identifiers: Orphanet 217635, MedGen C0340429, MONDO:0016340.
Dystrophin deficiency.
Becker muscular dystrophy (BMD). Also called: MUSCULAR DYSTROPHY, PSEUDOHYPERTROPHIC PROGRESSIVE, BECKER TYPE; Becker Muscular Dystrophy (BMD). Identifiers: Orphanet 98895, MedGen C0917713, MONDO:0010311, OMIM 300376.
Cardiomyopathy (CMYO). Also called: Cardiomyopathies. Identifiers: Orphanet 167848, MedGen C0878544, MONDO:0004994, HP:0001638. Inheritance: Various modes of inheritance.

Allele frequency attached by ClinVar (database versions not stated): ExAC 0.00001; gnomAD 0.00001; gnomAD exomes 0.00001; TOPMed 0.00001.
gnomAD v4.1: 11 of 1,209,971 alleles (0.00091%); highest among the groups gnomAD compares: Non-Finnish European, 0.0011%; no homozygotes.

Submissions (4):

Labcorp Genetics (formerly Invitae), Labcorp
Classification: Likely benign for Duchenne muscular dystrophy. Last evaluated: 2025-12-06. Review status: criteria provided, single submitter. Criteria: Invitae Variant Classification Sherloc (09022015). Collection method: clinical testing. Allele origin: germline.

Ambry Genetics
Classification: Uncertain significance for Cardiovascular phenotype. Last evaluated: 2023-06-23. Review status: criteria provided, single submitter. Criteria: Ambry Variant Classification Scheme 2023. Collection method: clinical testing. Allele origin: germline.
Comment: The p.A2999V variant (also known as c.8996C>T), located in coding exon 60 of the DMD gene, results from a C to T substitution at nucleotide position 8996. The alanine at codon 2999 is replaced by valine, an amino acid with similar properties. Based on data from gnomAD, the T allele has an overall frequency of <0.01% (2/183307) total alleles studied, with 2 hemizygote(s) observed. The highest observed frequency was <0.01% (2/81788) of European (non-Finnish) alleles. This amino acid position is well conserved in available vertebrate species. In addition, this alteration is predicted to be tolerated by in silico analysis. Since supporting evidence is limited at this time, the clinical significance of this alteration remains unclear.

Klaassen Lab, Charite University Medicine Berlin
Classification: Uncertain significance for Familial restrictive cardiomyopathy. Last evaluated: 2019-07-03. Review status: criteria provided, single submitter. Criteria: ACMG Guidelines, 2015. Collection method: research. Allele origin: germline. Affected: yes.

Natera, Inc.
Classification: Uncertain significance for Becker muscular dystrophy; Cardiomyopathy; Duchenne muscular dystrophy; Dystrophin deficiency. Last evaluated: 2019-01-29. Review status: no assertion criteria provided. Collection method: clinical testing. Allele origin: germline. Not counted in ClinVar's aggregate classification.

Literature cited by the submitters: PubMed 31333075 (cited by Klaassen Lab, Charite University Medicine Berlin); PubMed 31568572 (cited by Klaassen Lab, Charite University Medicine Berlin).

NM_004006.3(DMD):c.8996C>T (p.Ala2999Val)

Gene: DMD (dystrophin; minus strand). Cytogenetic location: Xp21.2.
Variant type: single nucleotide variant.
Coding change: c.8996C>T on transcript NM_004006.3 (MANE Select); coding-DNA position 8996, C replaced by T.
Protein change: p.Ala2999Val; replaces alanine 2999 with valine.
Molecular consequence: missense variant.
Genome position (GRCh38, 1-based): chrX:31,444,569, G>A on the plus strand (C>T on the coding strand, the complement: DMD is on the minus strand). VCF-style: chrX-31444569-G-A. GRCh37 (hg19) VCF-style: chrX-31462686-G-A.
Other names: c.8972C>T, p.Ala2991Val (NM_000109.4); c.8984C>T, p.Ala2995Val (NM_004009.3); c.8627C>T, p.Ala2876Val (NM_004010.3); c.4973C>T, p.Ala1658Val (NM_004011.4); c.4964C>T, p.Ala1655Val (NM_004012.4); c.1616C>T, p.Ala539Val (NM_004013.3, NM_004020.4, NM_004021.3 and 2 more transcripts); c.809C>T, p.Ala270Val (NM_004014.3); short protein forms A1655V, A270V, A2876V, A2991V, A2995V, A2999V, A539V, A1658V.
Identifiers: ClinVar variation 664831 (VCV000664831.13), dbSNP rs762577093, ClinGen allele CA10377940.